The following is an entry in ClinVar:

NR_003051.3(RMRP):n.-2_6dupGTGGTTCG

Gene: RMRP (RNA component of mitochondrial RNA processing endoribonuclease; minus strand). Cytogenetic location: 9p13.3.
Variant type: Duplication.
Genome position: GRCh38 VCF-style: chr9-35658012-A-ACGAACCAC. GRCh37 (hg19) VCF-style: chr9-35658009-A-ACGAACCAC.
Identifiers: ClinVar variation 557296 (VCV000557296.5), dbSNP rs1169511671, ClinGen allele CA658821590.

ClinVar aggregate classification (germline): Conflicting classifications of pathogenicity. Review status: criteria provided, conflicting classifications (1 of 4 stars). 3 submissions from 3 submitters: Likely pathogenic (1); Uncertain significance (1). 1 of the submissions does not count toward it. Last evaluated 2024-12-23.

Conditions:
Anauxetic dysplasia. Identifiers: Orphanet 93347, MedGen C1846796, MONDO:0011773.
Metaphyseal chondrodysplasia, McKusick type (CHH). Also called: Cartilage-hair hypoplasia; Cartilage-Hair Hypoplasia (CHH). Identifiers: Orphanet 175, MedGen C0220748, MONDO:0009595, OMIM 250250.

Allele frequency attached by ClinVar (database versions not stated): TOPMed below 0.00001; gnomAD 0.00001; gnomAD exomes 0.00001.

Submissions (3):

Labcorp Genetics (formerly Invitae), Labcorp
Classification: Uncertain significance for Anauxetic dysplasia. Last evaluated: 2024-12-23. Review status: criteria provided, single submitter. Criteria: Invitae Variant Classification Sherloc (09022015). Collection method: clinical testing. Allele origin: germline.
Comment: This variant occurs in the RMRP gene, which encodes an RNA molecule that does not result in a protein product. This variant is not present in population databases (gnomAD no frequency). This variant has not been reported in the literature in individuals affected with RMRP-related conditions. Experimental studies and prediction algorithms are not available or were not evaluated, and the functional significance of this variant is currently unknown. In summary, the available evidence is currently insufficient to determine the role of this variant in disease. Therefore, it has been classified as a Variant of Uncertain Significance.

Natera, Inc.
Classification: Likely pathogenic for Cartilage-hair hypoplasia. Last evaluated: 2024-08-28. Review status: criteria provided, single submitter. Criteria: Natera Variant Classification Schema (03/2026). Collection method: clinical testing. Allele origin: germline.
Comment: The n.-2_6dupGTGGTTCG variant in RMRP is a duplication affecting the RMRP promoter region between the TATA box and the transcription initiation site. Other duplications and insertions just upstream of the transcription initiation site have been reported in individuals affected with cartilage-hair hypoplasia (PMID: 11207361, 17937437). This variant is rare in the general population with a frequency below the threshold expected for the associated phenotype(s). Given the available evidence, this variant is classified as Likely pathogenic.

Counsyl
Classification: Uncertain significance for Metaphyseal chondrodysplasia, McKusick type. Last evaluated: 2018-03-19. Review status: no assertion criteria provided. Collection method: clinical testing. Allele origin: unknown. Not counted in ClinVar's aggregate classification.

Literature cited by the submitters: PubMed 11207361 (cited by Natera, Inc.); PubMed 17937437 (cited by Natera, Inc. and Counsyl); PubMed 12107819 (cited by Counsyl).